The following is an entry in ClinVar:

NM_001286.5(CLCN6):c.49T>A (p.Cys17Ser)

Gene: CLCN6 (chloride voltage-gated channel 6; plus strand). Cytogenetic location: 1p36.22.
Variant type: single nucleotide variant.
Coding change: c.49T>A on transcript NM_001286.5 (MANE Select); coding-DNA position 49, T replaced by A.
Protein change: p.Cys17Ser; replaces cysteine 17 with serine.
Molecular consequence: missense variant. On other transcripts: non-coding transcript variant (1).
Genome position (GRCh38, 1-based): chr1:11,806,311, T>A. VCF-style: chr1-11806311-T-A. GRCh37 (hg19) VCF-style: chr1-11866368-T-A.
Other names: c.49T>A, p.Cys17Ser (NM_001256959.2); short protein forms C17S.
Identifiers: ClinVar variation 2739643 (VCV002739643.3), dbSNP rs2523015203, ClinGen allele CA338424019.

ClinVar aggregate classification (germline): Uncertain significance (1 of 4 stars; one submission).

Submission:

Labcorp Genetics (formerly Invitae), Labcorp
Classification: Uncertain significance. Last evaluated: 2023-10-29. Review status: criteria provided, single submitter. Criteria: Invitae Variant Classification Sherloc (09022015). Collection method: clinical testing. Allele origin: germline.
Comment: This sequence change replaces cysteine, which is neutral and slightly polar, with serine, which is neutral and polar, at codon 17 of the CLCN6 protein (p.Cys17Ser). This variant is not present in population databases (gnomAD no frequency). This variant has not been reported in the literature in individuals affected with CLCN6-related conditions. Experimental studies and prediction algorithms are not available or were not evaluated, and the functional significance of this variant is currently unknown. In summary, the available evidence is currently insufficient to determine the role of this variant in disease. Therefore, it has been classified as a Variant of Uncertain Significance.